The following is an entry in ClinVar:

NM_000548.5(TSC2):c.3347C>G (p.Ala1116Gly)

Gene: TSC2 (TSC complex subunit 2; plus strand). Cytogenetic location: 16p13.3.
Variant type: single nucleotide variant.
Coding change: c.3347C>G on transcript NM_000548.5 (MANE Select); coding-DNA position 3347, C replaced by G.
Protein change: p.Ala1116Gly; replaces alanine 1116 with glycine.
Molecular consequence: missense variant.
Genome position (GRCh38, 1-based): chr16:2,079,619, C>G. VCF-style: chr16-2079619-C-G. GRCh37 (hg19) VCF-style: chr16-2129620-C-G.
Other names: c.3215C>G, p.Ala1072Gly (NM_001077183.3, NM_001370404.1); c.3347C>G, p.Ala1116Gly (NM_001114382.3); c.3107C>G, p.Ala1036Gly (NM_001318827.2); c.3071C>G, p.Ala1024Gly (NM_001318829.2); c.2615C>G, p.Ala872Gly (NM_001318831.2); c.3248C>G, p.Ala1083Gly (NM_001318832.2); c.3218C>G, p.Ala1073Gly (NM_001363528.2, NM_001370405.1, NM_021055.3); short protein forms A1116G, A1024G, A1083G, A1073G, A872G, A1036G, A1072G.
Identifiers: ClinVar variation 238017 (VCV000238017.12), dbSNP rs878854092, ClinGen allele CA10583319.

ClinVar aggregate classification (germline): Conflicting classifications of pathogenicity. Review status: criteria provided, conflicting classifications (1 of 4 stars). 4 submissions from 4 submitters: Uncertain significance (3); Benign (1). Last evaluated 2025-11-03.

Conditions:
Tuberous sclerosis 2 (TSC2). Identifiers: Orphanet 805, MedGen C1860707, MONDO:0013199, OMIM 613254.
Hereditary cancer-predisposing syndrome. Also called: Tumor predisposition; Hereditary Cancer Syndrome; Hereditary neoplastic syndrome; Neoplastic Syndromes, Hereditary. Identifiers: Orphanet 140162, MedGen C0027672, MeSH D009386, MONDO:0015356.
Tuberous sclerosis syndrome (TSC). Also called: Tuberous Sclerosis Complex; Tuberous sclerosis. Identifiers: Orphanet 805, MedGen C0041341, MONDO:0001734.

gnomAD v4.1: 5 of 1,610,900 alleles (0.00031%); highest among the groups gnomAD compares: Non-Finnish European, 0.00042%; no homozygotes.

Submissions (4):

Labcorp Genetics (formerly Invitae), Labcorp
Classification: Benign for Tuberous sclerosis 2. Last evaluated: 2025-11-03. Review status: criteria provided, single submitter. Criteria: Invitae Variant Classification Sherloc (09022015). Collection method: clinical testing. Allele origin: germline.

Color Diagnostics, LLC DBA Color Health
Classification: Uncertain significance for Tuberous sclerosis syndrome. Last evaluated: 2025-08-05. Review status: criteria provided, single submitter. Criteria: ACMG Guidelines, 2015. Collection method: clinical testing. Allele origin: germline.
Comment: This missense variant replaces alanine with glycine at codon 1116 of the TSC2 protein. Computational prediction suggests that this variant may not impact protein structure and function. To our knowledge, functional studies have not been reported for this variant. This variant has not been reported in individuals affected with TSC2-related disorders in the literature. This variant has not been identified in the general population by the Genome Aggregation Database (gnomAD). The available evidence is insufficient to determine the role of this variant in disease conclusively. Therefore, this variant is classified as a Variant of Uncertain Significance.

Ambry Genetics
Classification: Uncertain significance for Hereditary cancer-predisposing syndrome. Last evaluated: 2024-09-09. Review status: criteria provided, single submitter. Criteria: Ambry Variant Classification Scheme 2023. Collection method: clinical testing. Allele origin: germline.
Comment: The p.A1116G variant (also known as c.3347C>G), located in coding exon 28 of the TSC2 gene, results from a C to G substitution at nucleotide position 3347. The alanine at codon 1116 is replaced by glycine, an amino acid with similar properties. This amino acid position is not well conserved in available vertebrate species. In addition, the in silico prediction for this alteration is inconclusive. Based on the available evidence, the clinical significance of this variant remains unclear.

GeneDx
Classification: Uncertain significance. Last evaluated: 2023-05-26. Review status: criteria provided, single submitter. Criteria: GeneDx Variant Classification Process June 2021. Collection method: clinical testing. Allele origin: germline. Affected: yes.
Comment: Not observed at significant frequency in large population cohorts (gnomAD); In silico analysis supports that this missense variant does not alter protein structure/function; Has not been previously published as pathogenic or benign to our knowledge